The following is an entry in ClinVar:

NM_000388.4(CASR):c.443G>A (p.Gly148Asp)

Gene: CASR (calcium sensing receptor; plus strand). Cytogenetic location: 3q21.1.
Variant type: single nucleotide variant.
Coding change: c.443G>A on transcript NM_000388.4 (MANE Select); coding-DNA position 443, G replaced by A.
Protein change: p.Gly148Asp; replaces glycine 148 with aspartic acid.
Molecular consequence: missense variant.
Genome position (GRCh38, 1-based): chr3:122,257,338, G>A. VCF-style: chr3-122257338-G-A. GRCh37 (hg19) VCF-style: chr3-121976185-G-A.
Other names: p.Gly148Asp; c.443G>A, p.Gly148Asp (NM_001178065.2); short protein forms G148D.
Identifiers: ClinVar variation 3379484 (VCV003379484.3).
Genomic context (GRCh38, chr3:122,257,338, plus strand): 5'-TCTGCAACTGCTCAGAGCACATTCCCTCTACGATTGCTGTGGTGGGAGCAACTGGCTCAG[G>A]CGTCTCCACGGCAGTGGCAAATCTGCTGGGGCTCTTCTACATTCCCCAGGTACTCAAGCC-3'
Protein context (NP_000379.3, residues 138-158): TIAVVGATGS[Gly148Asp]VSTAVANLLG

ClinVar aggregate classification (germline): Uncertain significance. Review status: criteria provided, multiple submitters, no conflicts (2 of 4 stars). 2 submissions from 2 submitters: Uncertain significance (2). Last evaluated 2024-06-26.

Conditions:
Autosomal dominant hypocalcemia 1 (HYPOC1). Also called: HYPOCALCEMIA, FAMILIAL. Identifiers: MedGen C3715128, MONDO:0011013, OMIM 601198.
Familial hypocalciuric hypercalcemia (FHH). Also called: Familial benign hypercalcemia. Identifiers: Orphanet 405, MedGen C1809471, MONDO:0018458.

Submissions (2):

Labcorp Genetics (formerly Invitae), Labcorp
Classification: Uncertain significance for Familial hypocalciuric hypercalcemia; Autosomal dominant hypocalcemia 1. Last evaluated: 2024-06-26. Review status: criteria provided, single submitter. Criteria: Invitae Variant Classification Sherloc (09022015). Collection method: clinical testing. Allele origin: germline.
Comment: This sequence change replaces glycine, which is neutral and non-polar, with aspartic acid, which is acidic and polar, at codon 148 of the CASR protein (p.Gly148Asp). This variant is not present in population databases (gnomAD no frequency). This variant has not been reported in the literature in individuals affected with CASR-related conditions. An algorithm developed to predict the effect of missense changes on protein structure and function (PolyPhen-2) suggests that this variant is likely to be tolerated. In summary, the available evidence is currently insufficient to determine the role of this variant in disease. Therefore, it has been classified as a Variant of Uncertain Significance.

Mayo Clinic Laboratories, Mayo Clinic
Classification: Uncertain significance. Last evaluated: 2023-08-21. Review status: criteria provided, single submitter. Criteria: ACMG Guidelines, 2015. Collection method: clinical testing. Allele origin: germline. Observed: 1 variant allele.
Comment: PP2, PM2